The following is an entry in ClinVar:

NM_001144967.3(NEDD4L):c.1405G>A (p.Ala469Thr)

Gene: NEDD4L (NEDD4 like E3 ubiquitin protein ligase; plus strand). Cytogenetic location: 18q21.31.
Variant type: single nucleotide variant.
Coding change: c.1405G>A on transcript NM_001144967.3 (MANE Select); coding-DNA position 1405, G replaced by A.
Protein change: p.Ala469Thr; replaces alanine 469 with threonine.
Molecular consequence: missense variant.
Genome position (GRCh38, 1-based): chr18:58,342,933, G>A. VCF-style: chr18-58342933-G-A. GRCh37 (hg19) VCF-style: chr18-56010165-G-A.
Other names: c.1042G>A, p.Ala348Thr (NM_001144964.1, NM_001144965.2, NM_001144966.3); c.1381G>A, p.Ala461Thr (NM_001144968.2); c.1321G>A, p.Ala441Thr (NM_001144969.2); c.982G>A, p.Ala328Thr (NM_001144970.3, NM_001144971.2); c.1213G>A, p.Ala405Thr (NM_001243960.2); c.1345G>A, p.Ala449Thr (NM_015277.6); short protein forms A348T, A405T, A449T, A461T, A469T, A328T, A441T.
Identifiers: ClinVar variation 2995879 (VCV002995879.3), dbSNP rs778955783, ClinGen allele CA8975694.

ClinVar aggregate classification (germline): Uncertain significance (1 of 4 stars; one submission).

Allele frequency attached by ClinVar (database versions not stated): TOPMed below 0.00001; ExAC 0.00002; gnomAD exomes 0.00002.
gnomAD v4.1: 22 of 1,611,596 alleles (0.0014%); highest among the groups gnomAD compares: South Asian, 0.024%; 1 homozygote.

Submission:

Labcorp Genetics (formerly Invitae), Labcorp
Classification: Uncertain significance. Last evaluated: 2023-12-04. Review status: criteria provided, single submitter. Criteria: Invitae Variant Classification Sherloc (09022015). Collection method: clinical testing. Allele origin: germline.
Comment: This sequence change replaces alanine, which is neutral and non-polar, with threonine, which is neutral and polar, at codon 449 of the NEDD4L protein (p.Ala449Thr). This variant is present in population databases (rs778955783, gnomAD 0.02%). This variant has not been reported in the literature in individuals affected with NEDD4L-related conditions. Algorithms developed to predict the effect of missense changes on protein structure and function output the following: SIFT: "Not Available"; PolyPhen-2: "Benign"; Align-GVGD: "Not Available". The threonine amino acid residue is found in multiple mammalian species, which suggests that this missense change does not adversely affect protein function. In summary, the available evidence is currently insufficient to determine the role of this variant in disease. Therefore, it has been classified as a Variant of Uncertain Significance.